The following is an entry in ClinVar:

NM_199355.4(ADAMTS18):c.2755C>G (p.Pro919Ala)

Gene: ADAMTS18 (ADAM metallopeptidase with thrombospondin type 1 motif 18; minus strand). Cytogenetic location: 16q23.1.
Variant type: single nucleotide variant.
Coding change: c.2755C>G on transcript NM_199355.4 (MANE Select); coding-DNA position 2755, C replaced by G.
Protein change: p.Pro919Ala; replaces proline 919 with alanine.
Molecular consequence: missense variant.
Genome position (GRCh38, 1-based): chr16:77,297,335, G>C on the plus strand (C>G on the coding strand, the complement: ADAMTS18 is on the minus strand). VCF-style: chr16-77297335-G-C. GRCh37 (hg19) VCF-style: chr16-77331232-G-C.
Other names: c.2239C>G, p.Pro747Ala (NM_001326358.2); short protein forms P747A, P919A.
Identifiers: ClinVar variation 1960725 (VCV001960725.2), dbSNP rs2543591671, ClinGen allele CA396834166.

ClinVar aggregate classification (germline): Uncertain significance (1 of 4 stars; one submission).

gnomAD v4.1: 5 of 1,614,112 alleles (0.00031%); highest among the groups gnomAD compares: Non-Finnish European, 0.00042%; no homozygotes.

Submission:

Labcorp Genetics (formerly Invitae), Labcorp
Classification: Uncertain significance. Last evaluated: 2022-03-13. Review status: criteria provided, single submitter. Criteria: Invitae Variant Classification Sherloc (09022015). Collection method: clinical testing. Allele origin: germline.
Comment: This sequence change replaces proline, which is neutral and non-polar, with alanine, which is neutral and non-polar, at codon 919 of the ADAMTS18 protein (p.Pro919Ala). This variant is not present in population databases (gnomAD no frequency). This variant has not been reported in the literature in individuals affected with ADAMTS18-related conditions. Algorithms developed to predict the effect of missense changes on protein structure and function are either unavailable or do not agree on the potential impact of this missense change (SIFT: "Not Available"; PolyPhen-2: "Probably Damaging"; Align-GVGD: "Not Available"). In summary, the available evidence is currently insufficient to determine the role of this variant in disease. Therefore, it has been classified as a Variant of Uncertain Significance.